The following is an entry in ClinVar:

NM_001018005.2(TPM1):c.773-233G>A

Gene: TPM1 (tropomyosin 1; plus strand). Cytogenetic location: 15q22.2.
Variant type: single nucleotide variant.
Coding change: c.773-233G>A on transcript NM_001018005.2 (MANE Select); 233 bases into the intron before coding-DNA position 773, G replaced by A.
Molecular consequence: intron variant.
Genome position (GRCh38, 1-based): chr15:63,063,831, G>A. VCF-style: chr15-63063831-G-A. GRCh37 (hg19) VCF-style: chr15-63356030-G-A.
Other names: c.898+1186G>A (NM_001365778.1); c.772+1186G>A (NM_001018020.2, NM_001018007.2, NM_001018006.2 and 3 more transcripts); c.773-233G>A (NM_001301244.2, NM_000366.6, NM_001365779.1); c.664+1186G>A (NM_001330351.2, NM_001330344.2, NM_001018008.2 and 2 more transcripts); c.665-233G>A (NM_001365781.2, NM_001365782.1, NM_001330346.2).
Identifiers: ClinVar variation 679790 (VCV000679790.1), dbSNP rs150284424, ClinGen allele CA272035051.

ClinVar aggregate classification (germline): Likely benign (1 of 4 stars; one submission).

Allele frequency attached by ClinVar (database versions not stated): 1000 Genomes Project 0.00040; TOPMed 0.00058; 1000 Genomes Project 30x 0.00062; gnomAD exomes 0.00158; gnomAD 0.00214 and 0.00223.
gnomAD v4.1: 931 of 543,812 alleles (0.17%); highest among the groups gnomAD compares: Non-Finnish European, 0.082%; 5 homozygotes.

Submission:

GeneDx
Classification: Likely benign. Last evaluated: 2018-06-16. Review status: criteria provided, single submitter. Criteria: GeneDx Variant Classification (06012015). Collection method: clinical testing. Allele origin: germline. Affected: yes.
Comment: This variant is considered likely benign or benign based on one or more of the following criteria: it is a conservative change, it occurs at a poorly conserved position in the protein, it is predicted to be benign by multiple in silico algorithms, and/or has population frequency not consistent with disease.